The following is an entry in ClinVar:

NM_024675.4(PALB2):c.2427_2428del (p.Pro810fs)

Gene: PALB2 (partner and localizer of BRCA2; minus strand). Cytogenetic location: 16p12.2.
Variant type: Microsatellite.
Coding change: c.2427_2428del on transcript NM_024675.4 (MANE Select); coding-DNA positions 2427 to 2428, 2 bases deleted (AC; older notation c.2427_2428delAC).
Protein change: p.Pro810fs; shifts the reading frame from proline 810.
Molecular consequence: frameshift variant. On other transcripts: intron variant (1).
Genome position (GRCh38, 1-based): chr16:23,629,726-23,629,727, GT deleted on the plus strand (AC on the coding strand, the reverse complement: PALB2 is on the minus strand); deleting any 2 consecutive bases within chr16:23,629,726-23,629,729 gives the same sequence; the c. name uses the placement nearest the transcript's 3' end. VCF-style (leftmost placement, unchanged base first): chr16-23629725-GGT-G. GRCh37 (hg19) VCF-style: chr16-23641046-GGT-G.
Other names: c.2367_2368del, p.Pro790fs (NM_001407296.1); c.2427_2428del, p.Pro810fs (NM_001407297.1, NM_001407298.1, NM_001407299.1 and 3 more transcripts); c.1542_1543del, p.Pro515fs (NM_001407304.1, NM_001407305.1, NM_001407306.1 and 5 more transcripts); c.639_640del, p.Pro214fs (NM_001407312.1, NM_001407313.1); c.49-452_49-451del (NM_001407314.1); short protein forms P790fs, P214fs, P515fs, P810fs.
Identifiers: ClinVar variation 3648956 (VCV003648956.2).

ClinVar aggregate classification (germline): Pathogenic (1 of 4 stars; one submission).

Conditions:
Familial cancer of breast. Also called: hereditary breast carcinoma; BREAST CANCER, FAMILIAL; Hereditary breast cancer. Identifiers: Orphanet 227535, MedGen C0346153, MONDO:0016419, OMIM 114480. Disease mechanism: loss of function.

Submission:

Labcorp Genetics (formerly Invitae), Labcorp
Classification: Pathogenic for Familial cancer of breast. Last evaluated: 2024-04-06. Review status: criteria provided, single submitter. Criteria: Invitae Variant Classification Sherloc (09022015). Collection method: clinical testing. Allele origin: germline.
Comment: This sequence change creates a premature translational stop signal (p.Pro810Serfs*4) in the PALB2 gene. It is expected to result in an absent or disrupted protein product. Loss-of-function variants in PALB2 are known to be pathogenic (PMID: 17200668, 17200671, 17200672, 24136930, 25099575). This variant is not present in population databases (gnomAD no frequency). This variant has not been reported in the literature in individuals affected with PALB2-related conditions. For these reasons, this variant has been classified as Pathogenic.

Literature cited by the submitters: PubMed 17200668; PubMed 17200671; PubMed 17200672; PubMed 24136930; PubMed 25099575.